The following is an entry in ClinVar:

ClinVar aggregate classification (germline): Benign. Review status: criteria provided, multiple submitters, no conflicts (2 of 4 stars). 5 submissions from 5 submitters: Benign (5). Last evaluated 2026-02-04.

Conditions:
Primary ciliary dyskinesia. Also called: Ciliary dyskinesia. Identifiers: Orphanet 244, MedGen C0008780, MONDO:0016575, HP:0012265.

Allele frequency attached by ClinVar (database versions not stated): ESP Exome Variant Server 0.40674; gnomAD 0.42260 and 0.43388; TOPMed 0.44259; gnomAD exomes 0.44777 and 0.48734; ExAC 0.47798; 1000 Genomes Project 30x 0.52873; 1000 Genomes Project 0.53435.
gnomAD v4.1: 720,022 of 1,611,602 alleles (45%); highest among the groups gnomAD compares: East Asian, 82%; 167,200 homozygotes.

Submissions (5):

Labcorp Genetics (formerly Invitae), Labcorp
Classification: Benign for Primary ciliary dyskinesia. Last evaluated: 2026-02-04. Review status: criteria provided, single submitter. Criteria: Invitae Variant Classification Sherloc (09022015). Collection method: clinical testing. Allele origin: germline.

Blueprint Genetics
Classification: Benign. Last evaluated: 2024-11-27. Review status: criteria provided, single submitter. Criteria: ACMG Guidelines, 2015. Collection method: clinical testing. Allele origin: germline.

Mayo Clinic Laboratories, Mayo Clinic
Classification: Benign. Last evaluated: 2022-04-26. Review status: criteria provided, single submitter. Criteria: ACMG Guidelines, 2015. Collection method: clinical testing. Allele origin: germline. Observed: 142 variant alleles.

GeneDx
Classification: Benign. Last evaluated: 2018-11-10. Review status: criteria provided, single submitter. Criteria: GeneDx Variant Classification Process June 2021. Collection method: clinical testing. Allele origin: germline. Affected: yes.

Laboratory for Molecular Medicine, Mass General Brigham Personalized Medicine
Classification: Benign. Last evaluated: 2016-03-28. Review status: criteria provided, single submitter. Criteria: LMM Criteria. Collection method: clinical testing. Allele origin: germline.
Comment: Variant identified in a genome or exome case(s) and assessed due to predicted null impact of the variant or pathogenic assertions in the literature or databases. Disclaimer: This variant has not undergone full assessment. The following are preliminary notes: Frequency

NM_001206927.2(DNAH8):c.7680C>T (p.Val2560=)

Gene: DNAH8 (dynein axonemal heavy chain 8; plus strand). Cytogenetic location: 6p21.2.
Variant type: single nucleotide variant.
Coding change: c.7680C>T on transcript NM_001206927.2 (MANE Select); coding-DNA position 7680, C replaced by T.
Protein change: p.Val2560=; no amino-acid change (valine 2560 retained).
Molecular consequence: synonymous variant.
Genome position (GRCh38, 1-based): chr6:38,875,650, C>T. VCF-style: chr6-38875650-C-T. GRCh37 (hg19) VCF-style: chr6-38843426-C-T.
Other names: p.Val2560=; c.7029C>T, p.Val2343= (NM_001371.4).
Identifiers: ClinVar variation 402767 (VCV000402767.16), dbSNP rs6458080, ClinGen allele CA3789997.
Genomic context (GRCh38, chr6:38,875,650, plus strand): 5'-GTCTCTCAATCTTCTGGAAGGGTTAATTCCCTCCAAAGAAGAAGGCGGTGTTTCCTGTGT[C>T]GAACATCTTCATAAATTATTTGTGTTTGGCCTAATGTGGAGTTTAGGAGCCCTTCTGGAA-3'
Protein context (NP_001193856.1, residues 2550-2570): PSKEEGGVSC[Val2560=]EHLHKLFVFG